The following is an entry in ClinVar:

ClinVar aggregate classification (germline): Conflicting classifications of pathogenicity. Review status: criteria provided, conflicting classifications (1 of 4 stars). 4 submissions from 4 submitters: Uncertain significance (1); Benign (1); Likely benign (2). Last evaluated 2025-02-17.

Conditions:
Hereditary cancer-predisposing syndrome. Also called: Tumor predisposition; Neoplastic Syndromes, Hereditary; Hereditary Cancer Syndrome; Hereditary neoplastic syndrome. Identifiers: Orphanet 140162, MedGen C0027672, MeSH D009386, MONDO:0015356.
Familial adenomatous polyposis 1 (FAP1). Also called: POLYPOSIS, ADENOMATOUS INTESTINAL; FAMILIAL ADENOMATOUS POLYPOSIS 1, ATTENUATED. Identifiers: MedGen C2713442, MONDO:0021056, OMIM 175100. Disease mechanism: loss of function.

Allele frequency attached by ClinVar (database versions not stated): TOPMed below 0.00001; gnomAD 0.00001; gnomAD exomes 0.00001.
gnomAD v4.1: 4 of 1,613,864 alleles (0.00025%); highest among the groups gnomAD compares: Non-Finnish European, 0.00025%; no homozygotes.

Submissions (4):

Quest Diagnostics Nichols Institute San Juan Capistrano
Classification: Uncertain significance. Last evaluated: 2025-02-17. Review status: criteria provided, single submitter. Criteria: Quest Diagnostics criteria. Collection method: clinical testing. Allele origin: unknown.
Comment: The APC c.1299G>A (p.Gln433=) synonymous variant has not been reported in individuals with APC-related conditions in the published literature. The frequency of this variant in the general population (Genome Aggregation Database) is uninformative in the assessment of its pathogenicity. Analysis of this variant using software algorithms for the prediction of the effect of nucleotide changes on splicing yielded predictions that this variant does not affect APC mRNA splicing. Based on the available information, we are unable to determine the clinical significance of this variant.

Labcorp Genetics (formerly Invitae), Labcorp
Classification: Likely benign for Familial adenomatous polyposis 1. Last evaluated: 2024-07-22. Review status: criteria provided, single submitter. Criteria: Invitae Variant Classification Sherloc (09022015). Collection method: clinical testing. Allele origin: germline.

Myriad Genetics, Inc.
Classification: Benign for Familial adenomatous polyposis 1. Last evaluated: 2024-03-01. Review status: criteria provided, single submitter. Criteria: Myriad Autosomal Dominant, Autosomal Recessive and X-Linked Classification Criteria (2023). Collection method: clinical testing. Allele origin: unknown.
Comment: This variant is considered benign. This variant is a silent/synonymous amino acid change and it is not expected to impact splicing.

Ambry Genetics
Classification: Likely benign for Hereditary cancer-predisposing syndrome. Last evaluated: 2021-09-17. Review status: criteria provided, single submitter. Criteria: Ambry Variant Classification Scheme 2023. Collection method: clinical testing. Allele origin: germline.

NM_000038.6(APC):c.1299G>A (p.Gln433=)

Gene: APC (APC regulator of Wnt signaling pathway; plus strand). Cytogenetic location: 5q22.2.
Variant type: single nucleotide variant.
Coding change: c.1299G>A on transcript NM_000038.6 (MANE Select); coding-DNA position 1299, G replaced by A.
Protein change: p.Gln433=; no amino-acid change (glutamine 433 retained).
Molecular consequence: synonymous variant.
Genome position (GRCh38, 1-based): chr5:112,819,331, G>A. VCF-style: chr5-112819331-G-A. GRCh37 (hg19) VCF-style: chr5-112155028-G-A.
Other names: c.1299G>A, p.Gln433= (NM_001127510.3, NM_001354895.2, NM_001354896.2); c.1245G>A, p.Gln415= (NM_001127511.3); c.1329G>A, p.Gln443= (NM_001354897.2); c.1224G>A, p.Gln408= (NM_001354898.2); c.1215G>A, p.Gln405= (NM_001354899.2); c.1122G>A, p.Gln374= (NM_001354900.2, NM_001354901.2); c.1026G>A, p.Gln342= (NM_001354902.2); c.996G>A, p.Gln332= (NM_001354903.2); and 3 more.
Identifiers: ClinVar variation 1453481 (VCV001453481.11), dbSNP rs141726130, ClinGen allele CA124970594.